The following is an entry in ClinVar:

NM_206933.4(USH2A):c.11191G>C (p.Glu3731Gln)

Gene: USH2A (usherin; minus strand). Cytogenetic location: 1q41.
Variant type: single nucleotide variant.
Coding change: c.11191G>C on transcript NM_206933.4 (MANE Select); coding-DNA position 11191, G replaced by C.
Protein change: p.Glu3731Gln; replaces glutamic acid 3731 with glutamine.
Molecular consequence: missense variant.
Genome position (GRCh38, 1-based): chr1:215,759,700, C>G on the plus strand (G>C on the coding strand, the complement: USH2A is on the minus strand). VCF-style: chr1-215759700-C-G. GRCh37 (hg19) VCF-style: chr1-215933042-C-G.
Other names: short protein forms E3731Q.
Identifiers: ClinVar variation 48367 (VCV000048367.63), dbSNP rs150264392, ClinGen allele CA143247.

ClinVar aggregate classification (germline): Benign/Likely benign. Review status: criteria provided, multiple submitters, no conflicts (2 of 4 stars). 7 submissions from 7 submitters: Benign (4); Likely benign (2). 1 of the submissions does not count toward it. Last evaluated 2026-01-28.

Conditions:
USH2A-related disorder. Also called: USH2A-related disorders; USH2A-related condition. Identifiers: MedGen CN239332.
Usher syndrome type 2A. Also called: USHER SYNDROME, TYPE IIA; RETINAL DISEASE IN USHER SYNDROME TYPE IIA, MODIFIER OF. Identifiers: Orphanet 231178, Orphanet 886, MedGen C1848634, MONDO:0010169, OMIM 276901.

Allele frequency attached by ClinVar (database versions not stated): gnomAD exomes 0.00022 and 0.00059; 1000 Genomes Project 30x 0.00219; ESP Exome Variant Server 0.00223; gnomAD 0.00224 and 0.00246; TOPMed 0.00234; ExAC 0.00060; 1000 Genomes Project 0.00200.
gnomAD v4.1: 686 of 1,613,988 alleles (0.043%); highest among the groups gnomAD compares: African/African-American, 0.73%; 7 homozygotes.

Submissions (7):

Labcorp Genetics (formerly Invitae), Labcorp
Classification: Benign. Last evaluated: 2026-01-28. Review status: criteria provided, single submitter. Criteria: Invitae Variant Classification Sherloc (09022015). Collection method: clinical testing. Allele origin: germline.

PreventionGenetics, part of Exact Sciences
Classification: Benign for USH2A-related condition. Last evaluated: 2025-05-16. Review status: criteria provided, single submitter. Criteria: ACMG Guidelines, 2015. Collection method: clinical testing. Allele origin: germline.
Comment: This variant is classified as benign based on ACMG/AMP sequence variant interpretation guidelines (Richards et al. 2015 PMID: 25741868, with internal and published modifications).

CeGaT Center for Human Genetics Tuebingen
Classification: Likely benign. Last evaluated: 2025-05-01. Review status: criteria provided, single submitter. Criteria: CeGaT Center For Human Genetics Tuebingen Variant Classification Criteria Version 2. Collection method: clinical testing. Allele origin: germline. Affected: yes. Observed: 2 variant alleles.
Comment: USH2A: BP4

Blueprint Genetics
Classification: Likely benign. Last evaluated: 2024-08-21. Review status: criteria provided, single submitter. Criteria: ACMG Guidelines, 2015. Collection method: clinical testing. Allele origin: germline.

GeneDx
Classification: Benign. Last evaluated: 2019-02-11. Review status: criteria provided, single submitter. Criteria: GeneDx Variant Classification Process June 2021. Collection method: clinical testing. Allele origin: germline. Affected: yes.
Comment: This variant is associated with the following publications: (PMID: 21701875)

Laboratory for Molecular Medicine, Mass General Brigham Personalized Medicine
Classification: Benign. Last evaluated: 2012-04-30. Review status: criteria provided, single submitter. Criteria: LMM Criteria. Collection method: clinical testing. Allele origin: germline. Observed: 3 variant alleles.
Comment: Glu3731Gln in Exon 57 of USH2A: This variant is not expected to have clinical si gnificance because it has been identified in 0.7% (26/3738) of African American chromosomes from a broad population by the NHLBI Exome Sequencing Project (dbSNP rs150264392).

Natera, Inc.
Classification: Benign for Usher syndrome type 2A. Last evaluated: 2020-09-16. Review status: no assertion criteria provided. Collection method: clinical testing. Allele origin: germline. Not counted in ClinVar's aggregate classification.